The following is an entry in ClinVar:

NM_000059.4(BRCA2):c.10230C>A (p.Asp3410Glu)

Gene: BRCA2 (BRCA2 DNA repair associated; plus strand). Cytogenetic location: 13q13.1.
Variant type: single nucleotide variant.
Coding change: c.10230C>A on transcript NM_000059.4 (MANE Select); coding-DNA position 10230, C replaced by A.
Protein change: p.Asp3410Glu; replaces aspartic acid 3410 with glutamic acid.
Molecular consequence: missense variant.
Genome position (GRCh38, 1-based): chr13:32,398,743, C>A. VCF-style: chr13-32398743-C-A. GRCh37 (hg19) VCF-style: chr13-32972880-C-A.
Other names: short protein forms D3410E.
Identifiers: ClinVar variation 51057 (VCV000051057.37), dbSNP rs80358404, ClinGen allele CA010527.
Genomic context (GRCh38, chr13:32,398,743, plus strand): 5'-GATCAAAGAACAGGAGAGTTCCCAGGCCAGTACGGAAGAATGTGAGAAAAATAAGCAGGA[C>A]ACAATTACAACTAAAAAATATATCTAAGCATTTGCAAAGGCGACAATAAATTATTGACGC-3'
Protein context (NP_000050.3, residues 3400-3418): STEECEKNKQ[Asp3410Glu]TITTKKYI

ClinVar aggregate classification (germline): Conflicting classifications of pathogenicity. Review status: criteria provided, conflicting classifications (1 of 4 stars). 10 submissions from 10 submitters: Uncertain significance (7); Likely benign (1). 2 of the submissions do not count toward it. Last evaluated 2026-01-07.

Conditions:
Hereditary cancer-predisposing syndrome. Also called: Neoplastic Syndromes, Hereditary; Tumor predisposition; Hereditary Cancer Syndrome; Hereditary neoplastic syndrome. Identifiers: Orphanet 140162, MedGen C0027672, MeSH D009386, MONDO:0015356.
Hereditary breast ovarian cancer syndrome. Also called: Hereditary breast and ovarian cancer syndrome; Hereditary breast and ovarian cancer; Hereditary breast and ovarian cancer syndrome (HBOC); Breast and ovarian cancer; Hereditary breast and/or ovarian cancer syndrome; BRCA1- and BRCA2-Associated Hereditary Breast and Ovarian Cancer. Identifiers: Orphanet 145, MedGen C0677776, MeSH D061325, MONDO:0003582. Disease mechanism: loss of function.
Familial cancer of breast. Also called: BREAST CANCER, FAMILIAL; Hereditary breast cancer; hereditary breast carcinoma. Identifiers: Orphanet 227535, MedGen C0346153, MONDO:0016419, OMIM 114480. Disease mechanism: loss of function.
Breast-ovarian cancer, familial, susceptibility to, 2 (BROVCA2). Also called: BRCA2 Hereditary Breast and Ovarian Cancer. Identifiers: Orphanet 145, MedGen C2675520, MONDO:0012933, OMIM 612555. Disease mechanism: loss of function.
Malignant tumor of breast. Also called: Malignant breast neoplasm; Cancer breast. Identifiers: MedGen C0006142, MONDO:0007254. Disease mechanism: loss of function.

Allele frequency attached by ClinVar (database versions not stated): gnomAD exomes below 0.00001.

Submissions (10):

Labcorp Genetics (formerly Invitae), Labcorp
Classification: Uncertain significance for Hereditary breast ovarian cancer syndrome. Last evaluated: 2026-01-07. Review status: criteria provided, single submitter. Criteria: Invitae Variant Classification Sherloc (09022015). Collection method: clinical testing. Allele origin: germline.
Comment: This sequence change replaces aspartic acid, which is acidic and polar, with glutamic acid, which is acidic and polar, at codon 3410 of the BRCA2 protein (p.Asp3410Glu). This variant is present in population databases (rs80358404, gnomAD 0.0009%). This missense change has been observed in individual(s) with breast cancer and/or ovarian cancer (PMID: 27062684, 32885271). ClinVar contains an entry for this variant (Variation ID: 51057). Invitae Evidence Modeling of protein sequence and biophysical properties (such as structural, functional, and spatial information, amino acid conservation, physicochemical variation, residue mobility, and thermodynamic stability) indicates that this missense variant is not expected to disrupt BRCA2 protein function with a negative predictive value of 95%. In summary, the available evidence is currently insufficient to determine the role of this variant in disease. Therefore, it has been classified as a Variant of Uncertain Significance.

Ambry Genetics
Classification: Uncertain significance for Hereditary cancer-predisposing syndrome. Last evaluated: 2025-06-21. Review status: criteria provided, single submitter. Criteria: Ambry Variant Classification Scheme 2023. Collection method: clinical testing. Allele origin: germline.
Comment: The p.D3410E variant (also known as c.10230C>A), located in coding exon 26 of the BRCA2 gene, results from a C to A substitution at nucleotide position 10230. The aspartic acid at codon 3410 is replaced by glutamic acid, an amino acid with highly similar properties. In a study of 1854 high-risk BR/OV cancer families in Italy, this alteration was detected in 1 family (Azzollini J et al. Eur J Intern Med, 2016 Jul;32:65-71). This variant was also observed in 1/3251 individuals who met eligibility criteria for hereditary breast and ovarian cancer syndrome (Lerner-Ellis J et al. J Cancer Res Clin Oncol, 2021 Mar;147:871-879). This amino acid position is well conserved in available vertebrate species. In addition, this alteration is predicted to be tolerated by in silico analysis. Since supporting evidence is limited at this time, the clinical significance of this alteration remains unclear.

Quest Diagnostics Nichols Institute San Juan Capistrano
Classification: Uncertain significance. Last evaluated: 2023-08-09. Review status: criteria provided, single submitter. Criteria: Quest Diagnostics criteria. Collection method: clinical testing. Allele origin: unknown.
Comment: In the published literature, this variant has been reported in individuals with breast and/or ovarian cancer (PMIDs: 32885271 (2021), 27062684 (2016)). It has been reported to be located in a region of the BRCA2 gene that is tolerant to missense sequence changes (PMID: 31911673 (2020)). The frequency of this variant in the general population, 0.000004 (1/250852 chromosomes (Genome Aggregation Database)), is uninformative in the assessment of its pathogenicity. Analysis of this variant using bioinformatics tools for the prediction of the effect of amino acid changes on protein structure and function yielded predictions that this variant is benign. Based on the available information, we are unable to determine the clinical significance of this variant.

Baylor Genetics
Classification: Uncertain significance for Familial cancer of breast. Last evaluated: 2023-05-16. Review status: criteria provided, single submitter. Criteria: ACMG Guidelines, 2015. Collection method: clinical testing. Allele origin: unknown.

Color Diagnostics, LLC DBA Color Health
Classification: Uncertain significance for Hereditary cancer-predisposing syndrome. Last evaluated: 2021-08-16. Review status: criteria provided, single submitter. Criteria: ACMG Guidelines, 2015. Collection method: clinical testing. Allele origin: germline.
Comment: This missense variant replaces aspartic acid with glutamic acid at codon 3410 of the BRCA2 protein. Computational prediction suggests that this variant may not impact protein structure and function (internally defined REVEL score threshold <= 0.5, PMID: 27666373). To our knowledge, functional studies have not been reported for this variant. This variant has been reported in an individual affected with breast cancer and a suspected hereditary breast and ovarian cancer family (PMID: 27062684, 29168416). This variant also has been reported with co-occurrence and family history likelihood ratios for pathogenicity of 1.1293 and 0.9323, respectively (PMID: 31131967). This variant has been identified in 1/250852 chromosomes in the general population by the Genome Aggregation Database (gnomAD). The available evidence is insufficient to determine the role of this variant in disease conclusively. Therefore, this variant is classified as a Variant of Uncertain Significance.

Genetic Services Laboratory, University of Chicago
Classification: Uncertain significance. Last evaluated: 2019-12-05. Review status: criteria provided, single submitter. Criteria: ACMG Guidelines, 2015. Collection method: clinical testing. Allele origin: germline. Affected: no.

GeneDx
Classification: Likely benign. Last evaluated: 2019-01-24. Review status: criteria provided, single submitter. Criteria: GeneDx Variant Classification Process June 2021. Collection method: clinical testing. Allele origin: germline. Affected: yes.
Comment: This variant is associated with the following publications: (PMID: 27062684)

PreventionGenetics, part of Exact Sciences
Classification: Uncertain significance. Last evaluated: 2018-01-15. Review status: criteria provided, single submitter. Criteria: ACMG Guidelines, 2015. Collection method: clinical testing. Allele origin: germline.

Breast Cancer Information Core (BIC) (BRCA2)
Classification: Uncertain significance for Breast-ovarian cancer, familial 2. Last evaluated: 2004-02-20. Review status: no assertion criteria provided. Collection method: clinical testing. Allele origin: germline. Affected: yes. Observed: 4 variant alleles. Not counted in ClinVar's aggregate classification.

Department of Pathology and Laboratory Medicine, Sinai Health System
Classification: Uncertain significance for Malignant tumor of breast. Review status: no assertion criteria provided. Collection method: clinical testing. Allele origin: unknown. Affected: yes. Study: The Canadian Open Genetics Repository (COGR). Not counted in ClinVar's aggregate classification.
Comment: The BRCA2 p.Asp3410Glu variant was not identified in the literature nor was it identified in the LOVD 3.0 or UMD-LSDB databases. The variant was identified in dbSNP (ID: rs80358404) as "With Uncertain significance allele" and in ClinVar (classified as uncertain significance by Invitae and three other submitters). The variant was identified in control databases in 1 of 245714 chromosomes at a frequency of 0.000004 (Genome Aggregation Database Feb 27, 2017). The variant was observed in the European population in 1 of 111422 chromosomes (freq: 0.000009), while the variant was not observed in the African, Other, Latino, Ashkenazi Jewish, East Asian, Finnish, or South Asian populations. The p.Asp3410 residue is not conserved in mammals and computational analyses (PolyPhen-2, SIFT, AlignGVGD, BLOSUM, MutationTaster) do not suggest a high likelihood of impact to the protein; however, this information is not predictive enough to rule out pathogenicity. The variant occurs outside of the splicing consensus sequence and in silico or computational prediction software programs (SpliceSiteFinder, MaxEntScan, NNSPLICE, GeneSplicer) do not predict a difference in splicing. In summary, based on the above information, the clinical significance of this variant cannot be determined with certainty at this time. This variant is classified as a variant of uncertain significance.

Literature cited by the submitters: PubMed 27062684 (cited by 3 submitters); PubMed 32885271 (cited by 3 submitters); PubMed 31911673 (cited by Quest Diagnostics Nichols Institute San Juan Capistrano).